The following is an entry in ClinVar:

NM_181672.3(OGT):c.2491A>G (p.Thr831Ala)

Gene: OGT (O-linked N-acetylglucosamine (GlcNAc) transferase; plus strand). Cytogenetic location: Xq13.1.
Variant type: single nucleotide variant.
Coding change: c.2491A>G on transcript NM_181672.3 (MANE Select); coding-DNA position 2491, A replaced by G.
Protein change: p.Thr831Ala; replaces threonine 831 with alanine.
Molecular consequence: missense variant.
Genome position (GRCh38, 1-based): chrX:71,564,655, A>G. VCF-style: chrX-71564655-A-G. GRCh37 (hg19) VCF-style: chrX-70784505-A-G.
Other names: c.2461A>G, p.Thr821Ala (NM_181673.3); short protein forms T821A, T831A.
Identifiers: ClinVar variation 1878742 (VCV001878742.1), dbSNP rs2040404868, ClinGen allele CA413568613.
Genomic context (GRCh38, chrX:71,564,655, plus strand): 5'-TTCTAGATCAACAATAAGGCTGCAACTGGAGAGGAGGTTCCCCGTACCATTATTGTAACC[A>G]CCCGTTCTCAGTACGGGTTACCAGAAGATGCCATCGTATACTGTAACTTTAATCAGTTGT-3'
Protein context (NP_858058.1, residues 821-841): EEVPRTIIVT[Thr831Ala]RSQYGLPEDA

ClinVar aggregate classification (germline): Uncertain significance (1 of 4 stars; one submission).

Allele frequency attached by ClinVar (database versions not stated): TOPMed below 0.00001.

Submission:

GeneDx
Classification: Uncertain significance. Last evaluated: 2022-07-12. Review status: criteria provided, single submitter. Criteria: GeneDx Variant Classification Process June 2021. Collection method: clinical testing. Allele origin: germline. Affected: yes.
Comment: Not observed at significant frequency in large population cohorts (gnomAD); In silico analysis supports that this missense variant does not alter protein structure/function; Has not been previously published as pathogenic or benign to our knowledge